The following is an entry in ClinVar:

ClinVar aggregate classification (germline): Uncertain significance (1 of 4 stars; one submission).

Conditions:
Short-rib thoracic dysplasia 14 with polydactyly (SRTD14). Identifiers: Orphanet 397715, MedGen C4225286, MONDO:0014688, OMIM 616546.
Joubert syndrome 23 (JBTS23). Identifiers: Orphanet 475, MedGen C4084822, MONDO:0014664, OMIM 616490.

Allele frequency attached by ClinVar (database versions not stated): TOPMed below 0.00001.

Submission:

Labcorp Genetics (formerly Invitae), Labcorp
Classification: Uncertain significance for Joubert syndrome 23; Short-rib thoracic dysplasia 14 with polydactyly. Last evaluated: 2025-10-20. Review status: criteria provided, single submitter. Criteria: Invitae Variant Classification Sherloc (09022015). Collection method: clinical testing. Allele origin: germline.
Comment: This sequence change replaces glutamic acid, which is acidic and polar, with glycine, which is neutral and non-polar, at codon 254 of the KIAA0586 protein (p.Glu254Gly). This variant is not present in population databases (gnomAD no frequency). This variant has not been reported in the literature in individuals affected with KIAA0586-related conditions. ClinVar contains an entry for this variant (Variation ID: 1514297). Invitae Evidence Modeling of protein sequence and biophysical properties (such as structural, functional, and spatial information, amino acid conservation, physicochemical variation, residue mobility, and thermodynamic stability) indicates that this missense variant is expected to disrupt KIAA0586 protein function with a positive predictive value of 80%. In summary, the available evidence is currently insufficient to determine the role of this variant in disease. Therefore, it has been classified as a Variant of Uncertain Significance.

NM_001329943.3(KIAA0586):c.602A>G (p.Glu201Gly)

Gene: KIAA0586 (KIAA0586; plus strand). Cytogenetic location: 14q23.1.
Variant type: single nucleotide variant.
Coding change: c.602A>G on transcript NM_001329943.3 (MANE Select); coding-DNA position 602, A replaced by G.
Protein change: p.Glu201Gly; replaces glutamic acid 201 with glycine.
Molecular consequence: missense variant.
Genome position (GRCh38, 1-based): chr14:58,443,970, A>G. VCF-style: chr14-58443970-A-G. GRCh37 (hg19) VCF-style: chr14-58910688-A-G.
Other names: c.602A>G, p.Glu201Gly (NM_001329944.2, NM_001329946.2, NM_001329947.2 and 1 more transcripts); c.347A>G, p.Glu116Gly (NM_001329945.2, NM_001364700.1, NM_001364701.2 and 1 more transcripts); c.761A>G, p.Glu254Gly (NM_001244189.2); c.557A>G, p.Glu186Gly (NM_001244190.2); c.470A>G, p.Glu157Gly (NM_001244192.2); c.182A>G, p.Glu61Gly (NM_001244193.2); short protein forms E116G, E157G, E186G, E254G, E201G, E61G.
Identifiers: ClinVar variation 1514297 (VCV001514297.8), dbSNP rs2038635110, ClinGen allele CA389862219.
Genomic context (GRCh38, chr14:58,443,970, plus strand): 5'-GTATCCTATAATGTGAATTTTTAAAAATGTTTTTATTGTTTTAGGTGCAGAGTGATTTGG[A>G]AGCAAAAGTCAATTCTGTTACAGAATTACTTAGTAAATTACAGGAGACTGATAAACACCT-3'
Protein context (NP_001316872.1, residues 191-211): APLIKVQSDL[Glu201Gly]AKVNSVTELL